The following is an entry in ClinVar:

NM_001128228.3(TPRN):c.1936G>A (p.Glu646Lys)

Gene: TPRN (taperin; minus strand). Cytogenetic location: 9q34.3.
Variant type: single nucleotide variant.
Coding change: c.1936G>A on transcript NM_001128228.3 (MANE Select); coding-DNA position 1936, G replaced by A.
Protein change: p.Glu646Lys; replaces glutamic acid 646 with lysine.
Molecular consequence: missense variant.
Genome position (GRCh38, 1-based): chr9:137,192,481, C>T on the plus strand (G>A on the coding strand, the complement: TPRN is on the minus strand). VCF-style: chr9-137192481-C-T. GRCh37 (hg19) VCF-style: chr9-140086933-C-T.
Other names: short protein forms E646K.
Identifiers: ClinVar variation 440352 (VCV000440352.15), dbSNP rs370001536, ClinGen allele CA5362588.
Genomic context (GRCh38, chr9:137,192,481, plus strand): 5'-AGGCTGCCTGTCCCCCAGGTGGGCACTCACCTGAGCTACCCTCTGGCAGCCGAGAGCTCT[C>T]GGGTCTCACGCTGCTCACAAACGTGGCCCGGGGCAGGAAGAGTGCAAAGGGCTTCTCCTC-3'
Protein context (NP_001121700.2, residues 636-656): RATFVSSVRP[Glu646Lys]SSRLPEGSSG

ClinVar aggregate classification (germline): Uncertain significance. Review status: criteria provided, multiple submitters, no conflicts (2 of 4 stars). 4 submissions from 4 submitters: Uncertain significance (4). Last evaluated 2025-12-23.

Conditions:
TPRN-related disorder. Also called: TPRN-related condition.
Autosomal recessive nonsyndromic hearing loss 79. Identifiers: Orphanet 90636, MedGen C2750082, MONDO:0013215, OMIM 613307.

Allele frequency attached by ClinVar (database versions not stated): gnomAD exomes 0.00002 and 0.00003; ExAC 0.00003; gnomAD 0.00003; TOPMed 0.00003; ESP Exome Variant Server 0.00008.

Submissions (4):

PreventionGenetics, part of Exact Sciences
Classification: Uncertain significance for TPRN-related condition. Last evaluated: 2025-12-23. Review status: criteria provided, single submitter. Criteria: ACMG Guidelines, 2015. Collection method: clinical testing. Allele origin: germline.
Comment: The TPRN c.1936G>A variant is predicted to result in the amino acid substitution p.Glu646Lys. To our knowledge, this variant has not been reported in the literature. This variant is reported in 0.017% of alleles in individuals of East Asian descent in gnomAD. At this time, the clinical significance of this variant is uncertain due to the absence of conclusive functional and genetic evidence.

Laboratory for Molecular Medicine, Mass General Brigham Personalized Medicine
Classification: Uncertain significance. Last evaluated: 2019-01-04. Review status: criteria provided, single submitter. Criteria: LMM Criteria. Collection method: clinical testing. Allele origin: germline. Observed: 1 variant allele.
Comment: The p.Glu646Lys variant in TPRN has not been previously reported in individuals with hearing loss but has been identified in 0.02% (3/17194) of East Asian chrom osomes by gnomAD. This variant has also been reported in ClinVar (Variation ID 440352). Computational prediction tools and co nservation analysis do not provide strong support for or against an impact to th e protein. In summary, the clinical significance of the p.Glu646Lys variant is u ncertain. ACMG/AMP Criteria applied: PM2_Supporting.

Fulgent Genetics
Classification: Uncertain significance for Autosomal recessive nonsyndromic hearing loss 79. Last evaluated: 2018-10-31. Review status: criteria provided, single submitter. Criteria: ACMG Guidelines, 2015. Collection method: clinical testing. Allele origin: unknown.

ARUP Laboratories, Molecular Genetics and Genomics, ARUP Laboratories
Classification: Uncertain significance. Last evaluated: 2017-04-10. Review status: criteria provided, single submitter. Criteria: ARUP Molecular Germline Variant Investigation Process. Collection method: clinical testing. Allele origin: germline.